The following is an entry in ClinVar:

ClinVar aggregate classification (germline): Uncertain significance (1 of 4 stars; one submission).

Submission:

Labcorp Genetics (formerly Invitae), Labcorp
Classification: Uncertain significance. Last evaluated: 2022-08-16. Review status: criteria provided, single submitter. Criteria: Invitae Variant Classification Sherloc (09022015). Collection method: clinical testing. Allele origin: germline.
Comment: In summary, the available evidence is currently insufficient to determine the role of this variant in disease. Therefore, it has been classified as a Variant of Uncertain Significance. Algorithms developed to predict the effect of sequence changes on RNA splicing suggest that this variant may create or strengthen a splice site. ClinVar contains an entry for this variant (Variation ID: 1363141). This variant has not been reported in the literature in individuals affected with TJP2-related conditions. This variant is not present in population databases (gnomAD no frequency). This sequence change falls in intron 5 of the TJP2 gene. It does not directly change the encoded amino acid sequence of the TJP2 protein.

NM_004817.4(TJP2):c.953-18_953-16delinsATCTCCTAGAGTATGTTTGTCTAGGAGACAAAGTATATACTAGAGTATA

Gene: TJP2 (tight junction protein 2; plus strand). Cytogenetic location: 9q21.11.
Variant type: Indel.
Coding change: c.953-18_953-16delinsATCTCCTAGAGTATGTTTGTCTAGGAGACAAAGTATATACTAGAGTATA on transcript NM_004817.4 (MANE Select); 18 bases into the intron before coding-DNA position 953 through 16 bases into the intron before coding-DNA position 953, the reference bases replaced by an inserted sequence.
Molecular consequence: intron variant.
Genome position (GRCh38, 1-based): chr9:69,225,286-69,225,288, 3 bases replaced. GRCh37 (hg19): chr9:71,840,202-71,840,204.
Other names: c.884-18_884-16delinsATCTCCTAGAGTATGTTTGTCTAGGAGACAAAGTATATACTAGAGTATA (NM_001170414.2, NM_001369870.1, NM_001369871.1); c.953-18_953-16delinsATCTCCTAGAGTATGTTTGTCTAGGAGACAAAGTATATACTAGAGTATA (NM_201629.3, NM_001369872.1, NM_001369873.1); c.965-18_965-16delinsATCTCCTAGAGTATGTTTGTCTAGGAGACAAAGTATATACTAGAGTATA (NM_001170415.1, NM_001369875.1, NM_001369874.1); c.1046-18_1046-16delinsATCTCCTAGAGTATGTTTGTCTAGGAGACAAAGTATATACTAGAGTATA (NM_001170416.2).
Identifiers: ClinVar variation 1363141 (VCV001363141.8), dbSNP rs759354372, ClinGen allele CA2573144622.